The following is an entry in ClinVar:

ClinVar aggregate classification (germline): Benign. Review status: criteria provided, multiple submitters, no conflicts (2 of 4 stars). 4 submissions from 4 submitters: Benign (4). Last evaluated 2023-11-12.

Conditions:
Combined immunodeficiency due to ZAP70 deficiency (IMD48). Also called: ZAP70 Deficiency; Immunodeficiency 48. Identifiers: Orphanet 911, MedGen C2931299, MONDO:0010023, OMIM 269840.

Allele frequency attached by ClinVar (database versions not stated): 1000 Genomes Project 30x 0.15022; TOPMed 0.23919; ESP Exome Variant Server 0.26771; gnomAD exomes 0.27316 and 0.32845; 1000 Genomes Project 0.14856; gnomAD 0.27539 and 0.26752; ExAC 0.29156.
gnomAD v4.1: 514,825 of 1,604,228 alleles (32%); highest among the groups gnomAD compares: Non-Finnish European, 36%; 91,349 homozygotes.

Submissions (4):

Unidad de Genómica Garrahan, Hospital de Pediatría Garrahan
Classification: Benign. Last evaluated: 2023-11-12. Review status: criteria provided, single submitter. Criteria: ACMG Guidelines, 2015. Collection method: clinical testing. Allele origin: germline. Affected: no. Observed: 33 variant alleles.
Comment: This variant is classified as Benign based on local population frequency. This variant was detected in 34% of patients studied by a panel of primary immunodeficiencies. Number of patients: 33. Only high quality variants are reported.

GeneDx
Classification: Benign. Last evaluated: 2018-07-07. Review status: criteria provided, single submitter. Criteria: GeneDx Variant Classification Process June 2021. Collection method: clinical testing. Allele origin: germline. Affected: yes.

Illumina Laboratory Services, Illumina
Classification: Benign for Combined immunodeficiency due to ZAP70 deficiency. Last evaluated: 2018-01-13. Review status: criteria provided, single submitter. Criteria: ICSL Variant Classification Criteria 13 December 2019. Collection method: clinical testing. Allele origin: germline.
Comment: This variant was observed in the ICSL laboratory as part of a predisposition screen in an ostensibly healthy population. It had not been previously curated by ICSL or reported in the Human Gene Mutation Database (HGMD: prior to June 1st, 2018), and was therefore a candidate for classification through an automated scoring system. Utilizing variant allele frequency, disease prevalence and penetrance estimates, and inheritance mode, an automated score was calculated to assess if this variant is too frequent to cause the disease. Based on the score and internal cut-off values, a variant classified as benign is not then subjected to further curation. The score for this variant resulted in a classification of benign for this disease.

Breakthrough Genomics
Classification: Benign. Review status: criteria provided, single submitter. Criteria: ACMG Guidelines, 2015. Collection method: not provided. Allele origin: germline. Inheritance: Autosomal recessive inheritance. Affected: yes.

NM_001079.4(ZAP70):c.*29G>A

Gene: ZAP70 (zeta chain of T cell receptor associated protein kinase 70; plus strand). Cytogenetic location: 2q11.2.
Variant type: single nucleotide variant.
Coding change: c.*29G>A on transcript NM_001079.4 (MANE Select); 29 bases downstream of the stop codon, G replaced by A.
Molecular consequence: 3 prime UTR variant.
Genome position (GRCh38, 1-based): chr2:97,739,527, G>A. VCF-style: chr2-97739527-G-A. GRCh37 (hg19) VCF-style: chr2-98355990-G-A.
Other names: c.*29G>A (NM_001378594.1, NM_207519.2).
Identifiers: ClinVar variation 337640 (VCV000337640.11), dbSNP rs11678558, ClinGen allele CA1790598.